The following is an entry in ClinVar:

NM_002691.4(POLD1):c.613G>A (p.Gly205Ser)

Gene: POLD1 (DNA polymerase delta 1, catalytic subunit; plus strand). Cytogenetic location: 19q13.33.
Variant type: single nucleotide variant.
Coding change: c.613G>A on transcript NM_002691.4 (MANE Select); coding-DNA position 613, G replaced by A.
Protein change: p.Gly205Ser; replaces glycine 205 with serine.
Molecular consequence: missense variant. On other transcripts: non-coding transcript variant (1).
Genome position (GRCh38, 1-based): chr19:50,402,228, G>A. VCF-style: chr19-50402228-G-A. GRCh37 (hg19) VCF-style: chr19-50905485-G-A.
Other names: c.613G>A, p.Gly205Ser (NM_001256849.1, NM_001308632.1); c.613G>A (NM_002691.2); short protein forms G205S.
Identifiers: ClinVar variation 408100 (VCV000408100.16), dbSNP rs914238978, ClinGen allele CA16616117.

ClinVar aggregate classification (germline): Conflicting classifications of pathogenicity. Review status: criteria provided, conflicting classifications (1 of 4 stars). 6 submissions from 6 submitters: Uncertain significance (5); Likely benign (1). Last evaluated 2026-01-05.

Conditions:
Hereditary cancer-predisposing syndrome. Also called: Neoplastic Syndromes, Hereditary; Hereditary neoplastic syndrome; Hereditary Cancer Syndrome; Tumor predisposition. Identifiers: Orphanet 140162, MedGen C0027672, MeSH D009386, MONDO:0015356.
POLD1-related polyposis and colorectal cancer syndrome (CRCS10). Also called: Colorectal cancer, susceptibility to, 10; Colorectal cancer 10; COLORECTAL CANCER, SUSCEPTIBILITY TO, ON CHROMOSOME 19q. Identifiers: Orphanet 220460, MedGen C2675481, MONDO:0012953, OMIM 612591.

Allele frequency attached by ClinVar (database versions not stated): gnomAD exomes 0.00001; TOPMed 0.00001; gnomAD 0.00001.

Submissions (6):

Labcorp Genetics (formerly Invitae), Labcorp
Classification: Uncertain significance for POLD1-related polyposis and colorectal cancer syndrome. Last evaluated: 2026-01-05. Review status: criteria provided, single submitter. Criteria: Invitae Variant Classification Sherloc (09022015). Collection method: clinical testing. Allele origin: germline.
Comment: This sequence change replaces glycine, which is neutral and non-polar, with serine, which is neutral and polar, at codon 205 of the POLD1 protein (p.Gly205Ser). This variant is present in population databases (no rsID available, gnomAD 0.006%). This missense change has been observed in individual(s) with clinical features of POLD1-related conditions (PMID: 35534704). ClinVar contains an entry for this variant (Variation ID: 408100). Invitae Evidence Modeling of protein sequence and biophysical properties (such as structural, functional, and spatial information, amino acid conservation, physicochemical variation, residue mobility, and thermodynamic stability) indicates that this missense variant is not expected to disrupt POLD1 protein function with a negative predictive value of 80%. RNA analysis performed to evaluate the impact of this missense change on mRNA splicing indicates it does not significantly alter splicing (internal data). In summary, the available evidence is currently insufficient to determine the role of this variant in disease. Therefore, it has been classified as a Variant of Uncertain Significance.

Dasa
Classification: Uncertain significance. Last evaluated: 2025-09-03. Review status: criteria provided, single submitter. Criteria: DASA Assertion Criteria. Collection method: clinical testing. Allele origin: germline.
Comment: NM_002691.4(POLD1):c.613G>A (p.Gly205Ser) is a missense variant that results in the substitution of glycine with serine. This variant is rare in population databases. Computational prediction algorithms are consistent with a benign effect. The currently available literature and clinical evidence are not sufficient to establish a definitive association between this variant and the reported condition. Therefore, this variant is classified as a variant of uncertain significance.

Women's Health and Genetics/Laboratory Corporation of America, LabCorp
Classification: Uncertain significance. Last evaluated: 2025-09-02. Review status: criteria provided, single submitter. Criteria: LabCorp Variant Classification Summary - May 2015. Collection method: clinical testing. Allele origin: germline.
Comment: Variant summary: POLD1 c.613G>A (p.Gly205Ser) results in a non-conservative amino acid change in the encoded protein sequence. Algorithms developed to predict the effect of missense changes on protein structure and function are either unavailable or do not agree on the potential impact of this missense change. The variant allele was found at a frequency of 1.3e-05 in 229472 control chromosomes. The available data on variant occurrences in the general population are insufficient to allow any conclusion about variant significance. c.613G>A has been observed in individual(s) affected with Breast cancer (de Oliveira_2022). These report(s) do not provide unequivocal conclusions about association of the variant with Mandibular Hypoplasia, Deafness, Progeroid Features, And Lipodystrophy Syndrome. To our knowledge, no experimental evidence demonstrating an impact on protein function has been reported. The following publication have been ascertained in the context of this evaluation (PMID: 35534704). ClinVar contains an entry for this variant (Variation ID: 408100). Based on the evidence outlined above, the variant was classified as uncertain significance.

Ambry Genetics
Classification: Likely benign for Hereditary cancer-predisposing syndrome. Last evaluated: 2024-12-18. Review status: criteria provided, single submitter. Criteria: Ambry Variant Classification Scheme 2023. Collection method: clinical testing. Allele origin: germline.

Mendelics
Classification: Uncertain significance. Last evaluated: 2022-05-04. Review status: criteria provided, single submitter. Criteria: Mendelics Assertion Criteria 2019. Collection method: clinical testing. Allele origin: germline.

Quest Diagnostics Nichols Institute San Juan Capistrano
Classification: Uncertain significance. Last evaluated: 2018-11-02. Review status: criteria provided, single submitter. Criteria: Quest Diagnostics criteria. Collection method: clinical testing. Allele origin: germline.

Literature cited by the submitters: PubMed 35534704 (cited by Labcorp Genetics (formerly Invitae), Labcorp and Women's Health and Genetics/Laboratory Corporation of America, LabCorp).